The following is an entry in ClinVar:

NM_004456.5(EZH2):c.932A>C (p.Tyr311Ser)

Gene: EZH2 (enhancer of zeste 2 polycomb repressive complex 2 subunit; minus strand). Cytogenetic location: 7q36.1.
Variant type: single nucleotide variant.
Coding change: c.932A>C on transcript NM_004456.5 (MANE Select); coding-DNA position 932, A replaced by C.
Protein change: p.Tyr311Ser; replaces tyrosine 311 with serine.
Molecular consequence: missense variant.
Genome position (GRCh38, 1-based): chr7:148,819,663, T>G on the plus strand (A>C on the coding strand, the complement: EZH2 is on the minus strand). VCF-style: chr7-148819663-T-G. GRCh37 (hg19) VCF-style: chr7-148516755-T-G.
Other names: c.917A>C, p.Tyr306Ser (NM_001203247.2); c.890A>C, p.Tyr297Ser (NM_001203248.2, NM_001203249.2); c.800A>C, p.Tyr267Ser (NM_152998.3); short protein forms Y267S, Y297S, Y306S, Y311S.
Identifiers: ClinVar variation 3375532 (VCV003375532.1).

ClinVar aggregate classification (germline): Uncertain significance (1 of 4 stars; one submission).

gnomAD v4.1: 1 of 1,614,166 alleles (0.000062%); highest among the groups gnomAD compares: Non-Finnish European, 0.000085%; no homozygotes.

Submission:

GeneDx
Classification: Uncertain significance. Last evaluated: 2024-05-07. Review status: criteria provided, single submitter. Criteria: GeneDx Variant Classification Process June 2021. Collection method: clinical testing. Allele origin: germline. Affected: yes.
Comment: Not observed at significant frequency in large population cohorts (gnomAD); In silico analysis indicates that this missense variant does not alter protein structure/function; Has not been previously published as pathogenic or benign to our knowledge